The following is an entry in ClinVar:

NM_030962.4(SBF2):c.5036G>A (p.Arg1679His)

Genes: SBF2 (SET binding factor 2; minus strand), SBF2-AS1 (SBF2 antisense RNA 1; plus strand), LOC105369149 (uncharacterized LOC105369149; plus strand). Cytogenetic location: 11p15.4.
Variant type: single nucleotide variant.
Coding change: c.5036G>A on transcript NM_030962.4 (MANE Select); coding-DNA position 5036, G replaced by A.
Protein change: p.Arg1679His; replaces arginine 1679 with histidine.
Molecular consequence: missense variant.
Genome position (GRCh38, 1-based): chr11:9,787,635, C>T on the plus strand (G>A on the coding strand, the complement: SBF2 is on the minus strand). VCF-style: chr11-9787635-C-T. GRCh37 (hg19) VCF-style: chr11-9809182-C-T.
Other names: c.5132G>A, p.Arg1711His (NM_001386339.1); c.4907G>A, p.Arg1636His (NM_001386342.1); short protein forms R1679H, R1636H, R1711H.
Identifiers: ClinVar variation 644027 (VCV000644027.13), dbSNP rs769919130, ClinGen allele CA5880830.

ClinVar aggregate classification (germline): Conflicting classifications of pathogenicity. Review status: criteria provided, conflicting classifications (1 of 4 stars). 2 submissions from 2 submitters: Uncertain significance (1); Likely benign (1). Last evaluated 2025-10-22.

Conditions:
Charcot-Marie-Tooth disease type 4. Also called: Charcot-Marie-Tooth, Type 4; Charcot-Marie-Tooth disease, type IV. Identifiers: Orphanet 64749, MedGen C4082197, MONDO:0018995.
Charcot-Marie-Tooth disease type 4B2. Also called: CMT 4B2; Charcot-Marie-Tooth Neuropathy Type 4B2; CHARCOT-MARIE-TOOTH DISEASE, DEMYELINATING, TYPE 4B2; CHARCOT-MARIE-TOOTH DISEASE, WITH FOCALLY FOLDED MYELIN SHEATHS, AUTOSOMAL RECESSIVE, TYPE 4B2. Identifiers: Orphanet 99956, MedGen C1858278, MONDO:0011475, OMIM 604563.

Allele frequency attached by ClinVar (database versions not stated): ExAC 0.00003; gnomAD exomes 0.00001 and 0.00002; TOPMed 0.00001.
gnomAD v4.1: 19 of 1,613,828 alleles (0.0012%); highest among the groups gnomAD compares: Middle Eastern, 0.016%; no homozygotes.

Submissions (2):

Labcorp Genetics (formerly Invitae), Labcorp
Classification: Uncertain significance for Charcot-Marie-Tooth disease type 4. Last evaluated: 2025-10-22. Review status: criteria provided, single submitter. Criteria: Invitae Variant Classification Sherloc (09022015). Collection method: clinical testing. Allele origin: germline.
Comment: This sequence change replaces arginine, which is basic and polar, with histidine, which is basic and polar, at codon 1679 of the SBF2 protein (p.Arg1679His). This variant is present in population databases (rs769919130, gnomAD 0.006%). This variant has not been reported in the literature in individuals affected with SBF2-related conditions. ClinVar contains an entry for this variant (Variation ID: 644027). An algorithm developed to predict the effect of missense changes on protein structure and function outputs the following: PolyPhen-2: "Benign". The histidine amino acid residue is found in multiple mammalian species, which suggests that this missense change does not adversely affect protein function. In summary, the available evidence is currently insufficient to determine the role of this variant in disease. Therefore, it has been classified as a Variant of Uncertain Significance.

Blueprint Genetics
Classification: Likely benign. Last evaluated: 2024-03-12. Review status: criteria provided, single submitter. Criteria: ACMG Guidelines, 2015. Collection method: clinical testing. Allele origin: germline.